The following is an entry in ClinVar:

ClinVar aggregate classification (germline): Uncertain significance. Review status: criteria provided, multiple submitters, no conflicts (2 of 4 stars). 3 submissions from 3 submitters: Uncertain significance (3). Last evaluated 2024-03-06.

Conditions:
Hereditary cancer-predisposing syndrome. Also called: Neoplastic Syndromes, Hereditary; Tumor predisposition; Hereditary Cancer Syndrome; Hereditary neoplastic syndrome. Identifiers: Orphanet 140162, MedGen C0027672, MeSH D009386, MONDO:0015356.
Breast-ovarian cancer, familial, susceptibility to, 4. Identifiers: Orphanet 145, MedGen C3280345, MONDO:0013669, OMIM 614291.

Submissions (3):

Color Diagnostics, LLC DBA Color Health
Classification: Uncertain significance for Hereditary cancer-predisposing syndrome. Last evaluated: 2024-03-06. Review status: criteria provided, single submitter. Criteria: ACMG Guidelines, 2015. Collection method: clinical testing. Allele origin: germline.
Comment: This missense variant replaces aspartic acid with glutamic acid at codon 136 of the RAD51D protein. Computational prediction is inconclusive regarding the impact of this variant on protein structure and function (internally defined REVEL score threshold 0.5 < inconclusive < 0.7, PMID: 27666373). To our knowledge, functional studies have not been reported for this variant. This variant has not been reported in individuals affected with hereditary cancer in the literature. This variant has not been identified in the general population by the Genome Aggregation Database (gnomAD). The available evidence is insufficient to determine the role of this variant in disease conclusively. Therefore, this variant is classified as a Variant of Uncertain Significance.

Ambry Genetics
Classification: Uncertain significance for Hereditary cancer-predisposing syndrome. Last evaluated: 2021-10-08. Review status: criteria provided, single submitter. Criteria: Ambry Variant Classification Scheme 2023. Collection method: clinical testing. Allele origin: germline.
Comment: The p.D136E variant (also known as c.408T>A), located in coding exon 5 of the RAD51D gene, results from a T to A substitution at nucleotide position 408. The aspartic acid at codon 136 is replaced by glutamic acid, an amino acid with highly similar properties. This amino acid position is conserved. In addition, this alteration is predicted to be deleterious by in silico analysis. Since supporting evidence is limited at this time, the clinical significance of this alteration remains unclear.

Labcorp Genetics (formerly Invitae), Labcorp
Classification: Uncertain significance for Breast-ovarian cancer, familial, susceptibility to, 4. Last evaluated: 2019-06-27. Review status: criteria provided, single submitter. Criteria: Invitae Variant Classification Sherloc (09022015). Collection method: clinical testing. Allele origin: germline.
Comment: In summary, the available evidence is currently insufficient to determine the role of this variant in disease. Therefore, it has been classified as a Variant of Uncertain Significance. Algorithms developed to predict the effect of missense changes on protein structure and function (SIFT, PolyPhen-2, Align-GVGD) all suggest that this variant is likely to be disruptive, but these predictions have not been confirmed by published functional studies and their clinical significance is uncertain. This variant has not been reported in the literature in individuals with RAD51D-related conditions. This variant is not present in population databases (ExAC no frequency). This sequence change replaces aspartic acid with glutamic acid at codon 136 of the RAD51D protein (p.Asp136Glu). The aspartic acid residue is highly conserved and there is a small physicochemical difference between aspartic acid and glutamic acid.

NM_002878.4(RAD51D):c.408T>A (p.Asp136Glu)

Genes: RAD51L3-RFFL (RAD51L3-RFFL readthrough; minus strand), RAD51D (RAD51 paralog D; minus strand). Cytogenetic location: 17q12.
Variant type: single nucleotide variant.
Coding change: c.408T>A on transcript NM_002878.4 (MANE Select); coding-DNA position 408, T replaced by A.
Protein change: p.Asp136Glu; replaces aspartic acid 136 with glutamic acid.
Molecular consequence: missense variant. On other transcripts: non-coding transcript variant (1), intron variant (1).
Genome position (GRCh38, 1-based): chr17:35,107,060, A>T on the plus strand (T>A on the coding strand, the complement: RAD51D is on the minus strand). VCF-style: chr17-35107060-A-T. GRCh37 (hg19) VCF-style: chr17-33434079-A-T.
Other names: c.468T>A, p.Asp156Glu (NM_001142571.2); c.145-579T>A (NM_133629.3); short protein forms D136E, D156E.
Identifiers: ClinVar variation 919949 (VCV000919949.13), dbSNP rs1567728349, ClinGen allele CA399089282.
Genomic context (GRCh38, chr17:35,107,060, plus strand): 5'-ATCCTGGGTTTTAGCCTGAAGCAGCTGGAGGAGGCGGGAAGCTGTCAGCCCTCCATTGGA[A>T]TCTACATATAGGACGTTTTGCTGCAGGCCATGGGCCACATTTGCTGCCATACAGAGACAT-3'
Protein context (NP_002869.3, residues 126-146): HGLQQNVLYV[Asp136Glu]SNGGLTASRL